The following is an entry in ClinVar:

NM_016169.4(SUFU):c.494G>C (p.Ser165Thr)

Gene: SUFU (SUFU negative regulator of hedgehog signaling; plus strand). Cytogenetic location: 10q24.32.
Variant type: single nucleotide variant.
Coding change: c.494G>C on transcript NM_016169.4 (MANE Select); coding-DNA position 494, G replaced by C.
Protein change: p.Ser165Thr; replaces serine 165 with threonine.
Molecular consequence: missense variant.
Genome position (GRCh38, 1-based): chr10:102,592,621, G>C. VCF-style: chr10-102592621-G-C. GRCh37 (hg19) VCF-style: chr10-104352378-G-C.
Other names: c.494G>C, p.Ser165Thr (NM_001178133.2); short protein forms S165T.
Identifiers: ClinVar variation 2944665 (VCV002944665.4), dbSNP rs2135866717, ClinGen allele CA377908230.

ClinVar aggregate classification (germline): Uncertain significance. Review status: criteria provided, multiple submitters, no conflicts (2 of 4 stars). 2 submissions from 2 submitters: Uncertain significance (2). Last evaluated 2026-05-21.

Conditions:
Medulloblastoma (MDB). Also called: Medulloblastoma, somatic; MEDULLOBLASTOMA PREDISPOSITION SYNDROME. Identifiers: Orphanet 616, MedGen C0025149, MeSH D008527, MONDO:0007959, OMIM 155255, HP:0002885.
Gorlin syndrome. Also called: Nevoid Basal Cell Carcinoma Syndrome; Basal cell nevus syndrome. Identifiers: Orphanet 377, MedGen C0004779, MONDO:0007187.
Hereditary cancer-predisposing syndrome. Also called: Hereditary neoplastic syndrome; Neoplastic Syndromes, Hereditary; Tumor predisposition; Hereditary Cancer Syndrome. Identifiers: Orphanet 140162, MedGen C0027672, MeSH D009386, MONDO:0015356.

Allele frequency attached by ClinVar (database versions not stated): gnomAD exomes below 0.00001.
gnomAD v4.1: 1 of 1,614,194 alleles (0.000062%); highest among the groups gnomAD compares: Non-Finnish European, 0.000085%; no homozygotes.

Submissions (2):

Ambry Genetics
Classification: Uncertain significance for Hereditary cancer-predisposing syndrome. Last evaluated: 2026-05-21. Review status: criteria provided, single submitter. Criteria: Ambry Variant Classification Scheme 2023. Collection method: clinical testing. Allele origin: germline.
Comment: The p.S165T variant (also known as c.494G>C), located in coding exon 4 of the SUFU gene, results from a G to C substitution at nucleotide position 494. The serine at codon 165 is replaced by threonine, an amino acid with similar properties. This amino acid position is conserved. In addition, the in silico prediction for this alteration is inconclusive. Based on the available evidence, the clinical significance of this variant remains unclear.

Labcorp Genetics (formerly Invitae), Labcorp
Classification: Uncertain significance for Gorlin syndrome; Medulloblastoma. Last evaluated: 2023-02-24. Review status: criteria provided, single submitter. Criteria: Invitae Variant Classification Sherloc (09022015). Collection method: clinical testing. Allele origin: germline.
Comment: In summary, the available evidence is currently insufficient to determine the role of this variant in disease. Therefore, it has been classified as a Variant of Uncertain Significance. Advanced modeling of protein sequence and biophysical properties (such as structural, functional, and spatial information, amino acid conservation, physicochemical variation, residue mobility, and thermodynamic stability) performed at Invitae indicates that this missense variant is not expected to disrupt SUFU protein function. This variant has not been reported in the literature in individuals affected with SUFU-related conditions. This variant is not present in population databases (gnomAD no frequency). This sequence change replaces serine, which is neutral and polar, with threonine, which is neutral and polar, at codon 165 of the SUFU protein (p.Ser165Thr).